The following is an entry in ClinVar:

ClinVar aggregate classification (germline): Pathogenic/Likely pathogenic. Review status: criteria provided, multiple submitters, no conflicts (2 of 4 stars). 3 submissions from 3 submitters: Pathogenic (1); Likely pathogenic (2). Last evaluated 2025-03-19.

Conditions:
Autosomal recessive early-onset Parkinson disease 6 (PARK6). Also called: PARKINSON DISEASE 6, MODIFIER OF; PARKINSON DISEASE 6, EARLY-ONSET; PINK1-Related Parkinson Disease; PINK1 Type of Young-Onset Parkinson Disease. Identifiers: Orphanet 2828, MedGen C1853833, MONDO:0011613, OMIM 605909.
PINK1-related disorder. Also called: PINK1-related condition.

Submissions (3):

Variantyx, Inc.
Classification: Pathogenic for Autosomal recessive early-onset Parkinson disease 6. Last evaluated: 2025-03-19. Review status: criteria provided, single submitter. Criteria: Variantyx Assertion Criteria 2022. Collection method: clinical testing. Allele origin: germline. Inheritance: Autosomal recessive inheritance.
Comment: This is a frameshift variant in the PINK1 gene (OMIM: 608309). Pathogenic variants in this gene have been associated with autosomal recessive Parkinson disease 6. This variant introduces a premature termination codon in exon 1 out of 8. It is expected to result in loss of function, which is a known disease mechanism for PINK1 in this disorder (PVS1). This variant has been identified in the homozygous and compound heterozygous state in at least 3 individual(s) reported in the published literature (PMID: 31324919, 27926857) (PM3_Supporting). This variant has a 0.0064% maximum allele frequency in non-founder control populations (PM2). Based on the current evidence, this variant is classified as pathogenic for autosomal recessive Parkinson disease 6.

Blueprint Genetics
Classification: Likely pathogenic for PINK1-related disorders. Last evaluated: 2021-09-23. Review status: criteria provided, single submitter. Criteria: ACMG Guidelines, 2015. Collection method: clinical testing. Allele origin: germline. Affected: yes. Observed: 2 variant alleles.

Neuberg Centre For Genomic Medicine, NCGM
Classification: Likely pathogenic for Autosomal recessive early-onset Parkinson disease 6. Review status: criteria provided, single submitter. Criteria: ACMG Guidelines, 2015. Collection method: clinical testing. Allele origin: germline. Inheritance: Autosomal recessive inheritance. Affected: yes.
Comment: The frameshift c.268_283del(p.Trp90LeufsTer12) variant in PINK1 gene has not been reported previously as a pathogenic variant nor as a benign variant, to our knowledge. This variant is present with an allele frequency of 0.0005% in gnomAD Exomes. This variant has not been submitted to the ClinVar database. This variant causes a frameshift starting with codon Tryptophan 90, changes this amino acid to Leucine residue, and creates a premature Stop codon at position 12 of the new reading frame, denoted p.Trp90LeufsTer12. This variant is predicted to cause loss of normal protein function through protein truncation. Loss of function variants have been previously reported to be disease causing. Additional functional studies are required to prove pathogenicity of the variant. For these reasons, this variant has been classified as Likely Pathogenic. In absence of another reportable variant in PINK1 gene, the molecular diagnosis is not confirmed.

Literature cited by the submitters: PubMed 31324919 (cited by Variantyx, Inc.); PubMed 27926857 (cited by Variantyx, Inc.).

NM_032409.3(PINK1):c.268_283del (p.Trp90fs)

Gene: PINK1 (PTEN induced kinase 1; plus strand). Cytogenetic location: 1p36.12.
Variant type: Deletion.
Coding change: c.268_283del on transcript NM_032409.3 (MANE Select); coding-DNA positions 268 to 283, 16 bases deleted (TGGGGCTGCGCGGGCC).
Protein change: p.Trp90fs; shifts the reading frame from tryptophan 90.
Molecular consequence: frameshift variant.
Genome position (GRCh38, 1-based): chr1:20,633,816-20,633,831, TGGGGCTGCGCGGGCC deleted; deleting any 16 consecutive bases within chr1:20,633,809-20,633,831 gives the same sequence; the c. name uses the placement nearest the transcript's 3' end. VCF-style (leftmost placement, unchanged base first): chr1-20633808-TGCGGGCCTGGGGCTGC-T. GRCh37 (hg19) VCF-style: chr1-20960301-TGCGGGCCTGGGGCTGC-T.
Other names: short protein forms W90fs.
Identifiers: ClinVar variation 3242199 (VCV003242199.3), dbSNP rs1388721898.